The following is an entry in ClinVar:

NM_000135.4(FANCA):c.1064T>G (p.Leu355Arg)

Gene: FANCA (FA complementation group A; minus strand). Cytogenetic location: 16q24.3.
Variant type: single nucleotide variant.
Coding change: c.1064T>G on transcript NM_000135.4 (MANE Select); coding-DNA position 1064, T replaced by G.
Protein change: p.Leu355Arg; replaces leucine 355 with arginine.
Molecular consequence: missense variant.
Genome position (GRCh38, 1-based): chr16:89,792,490, A>C on the plus strand (T>G on the coding strand, the complement: FANCA is on the minus strand). VCF-style: chr16-89792490-A-C. GRCh37 (hg19) VCF-style: chr16-89858898-A-C.
Other names: c.1064T>G, p.Leu355Arg (NM_001286167.3); short protein forms L355R.
Identifiers: ClinVar variation 4826933 (VCV004826933.1).
Genomic context (GRCh38, chr16:89,792,490, plus strand): 5'-GCCACGAGCTCAGAAGCAGGTATAATACCACATCCACTCACCCTGCGGTACAGTGAGGTG[A>C]GCAGAGGGTGTGTCCGCGCAAAGCTCCACTCTCTCTGCATCTGAACAGCATCAGATGCTG-3'
Protein context (NP_000126.2, residues 345-365): EWSFARTHPL[Leu355Arg]TSLYRRLFVM

ClinVar aggregate classification (germline): Uncertain significance (1 of 4 stars; one submission).

Conditions:
Inborn genetic diseases. Identifiers: MedGen C0950123, MeSH D030342.

Submission:

Ambry Genetics
Classification: Uncertain significance for Inborn genetic diseases. Last evaluated: 2026-03-13. Review status: criteria provided, single submitter. Criteria: Ambry Variant Classification Scheme 2023. Collection method: clinical testing. Allele origin: germline.
Comment: The p.L355R variant (also known as c.1064T>G), located in coding exon 12 of the FANCA gene, results from a T to G substitution at nucleotide position 1064. The leucine at codon 355 is replaced by arginine, an amino acid with dissimilar properties. This amino acid position is conserved. In addition, this alteration is predicted to be deleterious by in silico analysis. Based on the available evidence, the clinical significance of this variant remains unclear.